The following is an entry in ClinVar:

ClinVar aggregate classification (germline): Uncertain significance (1 of 4 stars; one submission).

Allele frequency attached by ClinVar (database versions not stated): TOPMed below 0.00001.
gnomAD v4.1: 2 of 1,612,512 alleles (0.00012%); highest among the groups gnomAD compares: Admixed American, 0.0033%; no homozygotes.

Submission:

Labcorp Genetics (formerly Invitae), Labcorp
Classification: Uncertain significance. Last evaluated: 2024-08-12. Review status: criteria provided, single submitter. Criteria: Invitae Variant Classification Sherloc (09022015). Collection method: clinical testing. Allele origin: germline.
Comment: This sequence change falls in intron 28 of the RTTN gene. It does not directly change the encoded amino acid sequence of the RTTN protein. It affects a nucleotide within the consensus splice site. This variant is present in population databases (no rsID available, gnomAD 0.006%). This variant has not been reported in the literature in individuals affected with RTTN-related conditions. ClinVar contains an entry for this variant (Variation ID: 2413729). Variants that disrupt the consensus splice site are a relatively common cause of aberrant splicing (PMID: 17576681, 9536098). Algorithms developed to predict the effect of sequence changes on RNA splicing suggest that this variant is not likely to affect RNA splicing. In summary, the available evidence is currently insufficient to determine the role of this variant in disease. Therefore, it has been classified as a Variant of Uncertain Significance.

Literature cited by the submitters: PubMed 17576681; PubMed 9536098.

NM_173630.4(RTTN):c.3903+4A>C

Gene: RTTN (rotatin; minus strand). Cytogenetic location: 18q22.2.
Variant type: single nucleotide variant.
Coding change: c.3903+4A>C on transcript NM_173630.4 (MANE Select); 4 bases into the intron after coding-DNA position 3903, A replaced by C.
Molecular consequence: intron variant.
Genome position (GRCh38, 1-based): chr18:70,109,494, T>G on the plus strand (A>C on the coding strand, the complement: RTTN is on the minus strand). VCF-style: chr18-70109494-T-G. GRCh37 (hg19) VCF-style: chr18-67776730-T-G.
Other names: c.1167+4A>C (NM_001318520.2).
Identifiers: ClinVar variation 2413729 (VCV002413729.6), dbSNP rs1423639630, ClinGen allele CA630608304.